The following is an entry in ClinVar:

ClinVar aggregate classification (germline): Uncertain significance. Review status: criteria provided, multiple submitters, no conflicts (2 of 4 stars). 2 submissions from 2 submitters: Uncertain significance (2). Last evaluated 2025-09-10.

Conditions:
Inborn genetic diseases. Identifiers: MedGen C0950123, MeSH D030342.

Allele frequency attached by ClinVar (database versions not stated): TOPMed 0.00002.
gnomAD v4.1: 6 of 1,614,066 alleles (0.00037%); highest among the groups gnomAD compares: African/African-American, 0.0013%; no homozygotes.

Submissions (2):

Ambry Genetics
Classification: Uncertain significance for Inborn genetic diseases. Last evaluated: 2025-09-10. Review status: criteria provided, single submitter. Criteria: Ambry Variant Classification Scheme 2023. Collection method: clinical testing. Allele origin: germline.

Labcorp Genetics (formerly Invitae), Labcorp
Classification: Uncertain significance. Last evaluated: 2024-07-08. Review status: criteria provided, single submitter. Criteria: Invitae Variant Classification Sherloc (09022015). Collection method: clinical testing. Allele origin: germline.
Comment: This sequence change replaces aspartic acid, which is acidic and polar, with glutamic acid, which is acidic and polar, at codon 666 of the LRP5 protein (p.Asp666Glu). This variant is present in population databases (no rsID available, gnomAD 0.007%). This variant has not been reported in the literature in individuals affected with LRP5-related conditions. ClinVar contains an entry for this variant (Variation ID: 1015451). Advanced modeling of protein sequence and biophysical properties (such as structural, functional, and spatial information, amino acid conservation, physicochemical variation, residue mobility, and thermodynamic stability) performed at Invitae indicates that this missense variant is not expected to disrupt LRP5 protein function with a negative predictive value of 95%. In summary, the available evidence is currently insufficient to determine the role of this variant in disease. Therefore, it has been classified as a Variant of Uncertain Significance.

NM_002335.4(LRP5):c.1998C>A (p.Asp666Glu)

Gene: LRP5 (LDL receptor related protein 5; plus strand). Cytogenetic location: 11q13.2.
Variant type: single nucleotide variant.
Coding change: c.1998C>A on transcript NM_002335.4 (MANE Select); coding-DNA position 1998, C replaced by A.
Protein change: p.Asp666Glu; replaces aspartic acid 666 with glutamic acid.
Molecular consequence: missense variant.
Genome position (GRCh38, 1-based): chr11:68,406,720, C>A. VCF-style: chr11-68406720-C-A. GRCh37 (hg19) VCF-style: chr11-68174188-C-A.
Other names: c.255C>A, p.Asp85Glu (NM_001291902.2); c.1998C>A (NM_002335.2); short protein forms D666E, D85E.
Identifiers: ClinVar variation 1015451 (VCV001015451.9), dbSNP rs762411916, ClinGen allele CA381615741.